The following is an entry in ClinVar:

ClinVar aggregate classification (germline): Likely pathogenic (0 of 4 stars; one submission).

Conditions:
Neuronal ceroid lipofuscinosis 8 (CLN8). Also called: CLN8-Related Neuronal Ceroid-Lipofuscinosis. Identifiers: Orphanet 168491, Orphanet 228354, Orphanet 79264, MedGen C1838570, MONDO:0010830, OMIM 600143.

Submission:

Juha Muilu Group; Institute for Molecular Medicine Finland (FIMM)
Classification: Likely pathogenic for Ceroid lipofuscinosis neuronal 8. Review status: no assertion criteria provided. Collection method: not provided. Allele origin: unknown.
Comment: FinDis database variant: This variant was not found or characterized by our laboratory, data were collected from public sources: see reference
ClinVar note: Converted during submission from probable-pathogenic to Likely pathogenic.

NM_018941.4(CLN8):c.464C>T (p.Ala155Val)

Gene: CLN8 (CLN8 transmembrane ER and ERGIC protein; plus strand). Cytogenetic location: 8p23.3.
Variant type: single nucleotide variant.
Coding change: c.464C>T on transcript NM_018941.4 (MANE Select); coding-DNA position 464, C replaced by T.
Protein change: p.Ala155Val; replaces alanine 155 with valine.
Molecular consequence: missense variant.
Genome position (GRCh38, 1-based): chr8:1,771,518, C>T. VCF-style: chr8-1771518-C-T. GRCh37 (hg19) VCF-style: chr8-1719684-C-T.
Other names: short protein forms A155V.
Identifiers: ClinVar variation 56708 (VCV000056708.2), dbSNP rs386834128, ClinGen allele CA264167.